The following is an entry in ClinVar:

ClinVar aggregate classification (germline): Uncertain significance. Review status: criteria provided, multiple submitters, no conflicts (2 of 4 stars). 2 submissions from 2 submitters: Uncertain significance (2). Last evaluated 2021-11-23.

Allele frequency attached by ClinVar (database versions not stated): gnomAD exomes 0.00001 and 0.00006; gnomAD 0.00003; ExAC 0.00007; TOPMed 0.00008; 1000 Genomes Project 30x 0.00016; 1000 Genomes Project 0.00020.
gnomAD v4.1: 18 of 1,528,778 alleles (0.0012%); highest among the groups gnomAD compares: Admixed American, 0.044%; 1 homozygote.

Submissions (2):

Labcorp Genetics (formerly Invitae), Labcorp
Classification: Uncertain significance. Last evaluated: 2021-11-23. Review status: criteria provided, single submitter. Criteria: Invitae Variant Classification Sherloc (09022015). Collection method: clinical testing. Allele origin: germline.
Comment: This sequence change replaces proline, which is neutral and non-polar, with serine, which is neutral and polar, at codon 874 of the NUP160 protein (p.Pro874Ser). This variant is present in population databases (rs189148992, gnomAD 0.07%). This variant has not been reported in the literature in individuals affected with NUP160-related conditions. Algorithms developed to predict the effect of missense changes on protein structure and function are either unavailable or do not agree on the potential impact of this missense change (SIFT: "Not Available"; PolyPhen-2: "Benign"; Align-GVGD: "Not Available"). In summary, the available evidence is currently insufficient to determine the role of this variant in disease. Therefore, it has been classified as a Variant of Uncertain Significance.

Ambry Genetics
Classification: Uncertain significance. Last evaluated: 2021-06-11. Review status: criteria provided, single submitter. Criteria: Ambry Variant Classification Scheme 2023. Collection method: clinical testing. Allele origin: germline.

NM_015231.3(NUP160):c.2518C>T (p.Pro840Ser)

Gene: NUP160 (nucleoporin 160; minus strand). Cytogenetic location: 11p11.2.
Variant type: single nucleotide variant.
Coding change: c.2518C>T on transcript NM_015231.3 (MANE Select); coding-DNA position 2518, C replaced by T.
Protein change: p.Pro840Ser; replaces proline 840 with serine.
Molecular consequence: missense variant. On other transcripts: non-coding transcript variant (1).
Genome position (GRCh38, 1-based): chr11:47,804,605, G>A on the plus strand (C>T on the coding strand, the complement: NUP160 is on the minus strand). VCF-style: chr11-47804605-G-A. GRCh37 (hg19) VCF-style: chr11-47826157-G-A.
Other names: c.2620C>T (NM_015231.1); short protein forms P840S.
Identifiers: ClinVar variation 1391725 (VCV001391725.6), dbSNP rs189148992, ClinGen allele CA5980955.